The following is an entry in ClinVar:

NM_001261826.3(AP3D1):c.341A>G (p.Asn114Ser)

Gene: AP3D1 (adaptor related protein complex 3 subunit delta 1; minus strand). Cytogenetic location: 19p13.3.
Variant type: single nucleotide variant.
Coding change: c.341A>G on transcript NM_001261826.3 (MANE Select); coding-DNA position 341, A replaced by G.
Protein change: p.Asn114Ser; replaces asparagine 114 with serine.
Molecular consequence: missense variant.
Genome position (GRCh38, 1-based): chr19:2,137,024, T>C on the plus strand (A>G on the coding strand, the complement: AP3D1 is on the minus strand). VCF-style: chr19-2137024-T-C. GRCh37 (hg19) VCF-style: chr19-2137023-T-C.
Other names: c.341A>G, p.Asn114Ser (NM_001374799.1, NM_003938.8); short protein forms N114S.
Identifiers: ClinVar variation 4763613 (VCV004763613.1).

ClinVar aggregate classification (germline): Uncertain significance (1 of 4 stars; one submission).

Submission:

Labcorp Genetics (formerly Invitae), Labcorp
Classification: Uncertain significance. Last evaluated: 2025-03-24. Review status: criteria provided, single submitter. Criteria: Invitae Variant Classification Sherloc (09022015). Collection method: clinical testing. Allele origin: germline.
Comment: This sequence change replaces asparagine, which is neutral and polar, with serine, which is neutral and polar, at codon 114 of the AP3D1 protein (p.Asn114Ser). This variant is not present in population databases (gnomAD no frequency). This variant has not been reported in the literature in individuals affected with AP3D1-related conditions. An algorithm developed to predict the effect of missense changes on protein structure and function (PolyPhen-2) suggests that this variant is likely to be disruptive. In summary, the available evidence is currently insufficient to determine the role of this variant in disease. Therefore, it has been classified as a Variant of Uncertain Significance.